The following is an entry in ClinVar:

ClinVar aggregate classification (germline): Uncertain significance (1 of 4 stars; one submission).

Conditions:
Hereditary cancer-predisposing syndrome. Also called: Tumor predisposition; Hereditary Cancer Syndrome; Hereditary neoplastic syndrome; Neoplastic Syndromes, Hereditary. Identifiers: Orphanet 140162, MedGen C0027672, MeSH D009386, MONDO:0015356.

Submission:

Ambry Genetics
Classification: Uncertain significance for Hereditary cancer-predisposing syndrome. Last evaluated: 2023-07-15. Review status: criteria provided, single submitter. Criteria: Ambry Variant Classification Scheme 2023. Collection method: clinical testing. Allele origin: germline.
Comment: The p.S313L variant (also known as c.938C>T), located in coding exon 6 of the PTCH1 gene, results from a C to T substitution at nucleotide position 938. The serine at codon 313 is replaced by leucine, an amino acid with dissimilar properties. This amino acid position is conserved. In addition, the in silico prediction for this alteration is inconclusive. Since supporting evidence is limited at this time, the clinical significance of this alteration remains unclear.

NM_000264.5(PTCH1):c.938C>T (p.Ser313Leu)

Gene: PTCH1 (patched 1; minus strand). Cytogenetic location: 9q22.32.
Variant type: single nucleotide variant.
Coding change: c.938C>T on transcript NM_000264.5 (MANE Select); coding-DNA position 938, C replaced by T.
Protein change: p.Ser313Leu; replaces serine 313 with leucine.
Molecular consequence: missense variant. On other transcripts: non-coding transcript variant (1).
Genome position (GRCh38, 1-based): chr9:95,480,397, G>A on the plus strand (C>T on the coding strand, the complement: PTCH1 is on the minus strand). VCF-style: chr9-95480397-G-A. GRCh37 (hg19) VCF-style: chr9-98242679-G-A.
Other names: c.740C>T, p.Ser247Leu (NM_001083602.3); c.935C>T, p.Ser312Leu (NM_001083603.3); c.485C>T, p.Ser162Leu (NM_001083604.3, NM_001083605.3, NM_001083606.3 and 1 more transcripts); c.938C>T, p.Ser313Leu (NM_001354918.2); short protein forms S162L, S247L, S313L, S312L.
Identifiers: ClinVar variation 2626231 (VCV002626231.2), dbSNP rs1564055259, ClinGen allele CA374113624.
Genomic context (GRCh38, chr9:95,480,397, plus strand): 5'-AAAAAAGTGTTTTGCTCTCCACCCTTCTGAGAGCGCTCACTGCTGGTACTCACTTTGGTT[G>A]AATTTTTGTTGGGGGCTGTGGCGGGGCAGTCTGGATCGGCCGGATTGAGGCAGGGGCGGT-3'
Protein context (NP_000255.2, residues 303-323): DCPATAPNKN[Ser313Leu]TKPLDMALVL